The following is an entry in ClinVar:

ClinVar aggregate classification (germline): Uncertain significance. Review status: criteria provided, multiple submitters, no conflicts (2 of 4 stars). 5 submissions from 5 submitters: Uncertain significance (5). Last evaluated 2026-08-10.

Conditions:
LRSAM1-related disorder. Also called: LRSAM1-related condition.
Inborn genetic diseases. Identifiers: MedGen C0950123, MeSH D030342.
Charcot-Marie-Tooth disease axonal type 2P. Also called: CHARCOT-MARIE-TOOTH NEUROPATHY, TYPE 2P; Charcot-Marie-Tooth Neuropathy Type 2G; CHARCOT-MARIE-TOOTH DISEASE, AXONAL, TYPE 2G; CMT 2G. Identifiers: Orphanet 300319, Orphanet 99941, MedGen C3280797, MONDO:0013753, OMIM 614436.

Allele frequency attached by ClinVar (database versions not stated): ExAC 0.00002; TOPMed 0.00002; gnomAD 0.00003; gnomAD exomes 0.00003.
gnomAD v4.1: 32 of 1,613,896 alleles (0.002%); highest among the groups gnomAD compares: East Asian, 0.0045%; no homozygotes.

Submissions (5):

PreventionGenetics, part of Exact Sciences
Classification: Uncertain significance for LRSAM1-related condition. Last evaluated: 2026-08-10. Review status: criteria provided, single submitter. Criteria: ACMG Guidelines, 2015. Collection method: clinical testing. Allele origin: germline.
Comment: The LRSAM1 c.1660C>T variant is predicted to result in the amino acid substitution p.Arg554Trp. To our knowledge, this variant has not been reported in the literature. This variant is reported in 0.010% of alleles in individuals of East Asian descent in gnomAD. At this time, the clinical significance of this variant is uncertain due to the absence of conclusive functional and genetic evidence.

Labcorp Genetics (formerly Invitae), Labcorp
Classification: Uncertain significance for Charcot-Marie-Tooth disease axonal type 2P. Last evaluated: 2026-01-28. Review status: criteria provided, single submitter. Criteria: Invitae Variant Classification Sherloc (09022015). Collection method: clinical testing. Allele origin: germline.
Comment: This sequence change replaces arginine, which is basic and polar, with tryptophan, which is neutral and slightly polar, at codon 554 of the LRSAM1 protein (p.Arg554Trp). This variant is present in population databases (rs757208185, gnomAD 0.01%). This variant has not been reported in the literature in individuals affected with LRSAM1-related conditions. ClinVar contains an entry for this variant (Variation ID: 472794). Invitae Evidence Modeling of protein sequence and biophysical properties (such as structural, functional, and spatial information, amino acid conservation, physicochemical variation, residue mobility, and thermodynamic stability) indicates that this missense variant is expected to disrupt LRSAM1 protein function with a positive predictive value of 80%. Algorithms developed to predict the effect of sequence changes on RNA splicing suggest that this variant may disrupt the consensus splice site. In summary, the available evidence is currently insufficient to determine the role of this variant in disease. Therefore, it has been classified as a Variant of Uncertain Significance.

Women's Health and Genetics/Laboratory Corporation of America, LabCorp
Classification: Uncertain significance. Last evaluated: 2025-06-05. Review status: criteria provided, single submitter. Criteria: LabCorp Variant Classification Summary - May 2015. Collection method: clinical testing. Allele origin: germline.
Comment: Variant summary: LRSAM1 c.1660C>T (p.Arg554Trp) results in a non-conservative amino acid change in the encoded protein sequence. Algorithms developed to predict the effect of missense changes on protein structure and function are either unavailable or do not agree on the potential impact of this missense change. The variant allele was found at a frequency of 2.8e-05 in 251358 control chromosomes. The available data on variant occurrences in the general population are insufficient to allow any conclusion about variant significance. To our knowledge, no occurrence of c.1660C>T in individuals affected with Charcot-Marie-Tooth disease axonal type 2P-AR and no experimental evidence demonstrating its impact on protein function have been reported. ClinVar contains an entry for this variant (Variation ID: 472794). Based on the evidence outlined above, the variant was classified as uncertain significance.

Ambry Genetics
Classification: Uncertain significance for Inborn genetic diseases. Last evaluated: 2025-04-01. Review status: criteria provided, single submitter. Criteria: Ambry Variant Classification Scheme 2023. Collection method: clinical testing. Allele origin: germline.
Comment: The c.1660C>T (p.R554W) alteration is located in exon 21 (coding exon 20) of the LRSAM1 gene. This alteration results from a C to T substitution at nucleotide position 1660, causing the arginine (R) at amino acid position 554 to be replaced by a tryptophan (W). This amino acid position is completely conserved in available vertebrate species. Based on insufficient or conflicting evidence, the clinical significance of this alteration remains unclear.

Illumina Laboratory Services, Illumina
Classification: Uncertain significance for Charcot-Marie-Tooth disease axonal type 2P. Last evaluated: 2018-01-12. Review status: criteria provided, single submitter. Criteria: ICSL Variant Classification Criteria 13 December 2019. Collection method: clinical testing. Allele origin: germline.

NM_001005373.4(LRSAM1):c.1660C>T (p.Arg554Trp)

Gene: LRSAM1 (leucine rich repeat and sterile alpha motif containing 1; plus strand). Cytogenetic location: 9q33.3.
Variant type: single nucleotide variant.
Coding change: c.1660C>T on transcript NM_001005373.4 (MANE Select); coding-DNA position 1660, C replaced by T.
Protein change: p.Arg554Trp; replaces arginine 554 with tryptophan.
Molecular consequence: missense variant. On other transcripts: non-coding transcript variant (2), intron variant (1).
Genome position (GRCh38, 1-based): chr9:127,495,380, C>T. VCF-style: chr9-127495380-C-T. GRCh37 (hg19) VCF-style: chr9-130257659-C-T.
Other names: c.1660C>T, p.Arg554Trp (NM_001005374.4, NM_001384142.1, NM_138361.5); c.1579C>T, p.Arg527Trp (NM_001190723.3); c.871C>T, p.Arg291Trp (NM_001384144.1); c.1600-584C>T (NM_001384143.1); c.1660C>T (NM_138361.4); short protein forms R554W, R527W, R291W.
Identifiers: ClinVar variation 472794 (VCV000472794.17), dbSNP rs757208185, ClinGen allele CA5247085.